The following is an entry in ClinVar:

NM_001851.6(COL9A1):c.688T>C (p.Ser230Pro)

Gene: COL9A1 (collagen type IX alpha 1 chain; minus strand). Cytogenetic location: 6q13.
Variant type: single nucleotide variant.
Coding change: c.688T>C on transcript NM_001851.6 (MANE Select); coding-DNA position 688, T replaced by C.
Protein change: p.Ser230Pro; replaces serine 230 with proline.
Molecular consequence: missense variant.
Genome position (GRCh38, 1-based): chr6:70,294,175, A>G on the plus strand (T>C on the coding strand, the complement: COL9A1 is on the minus strand). VCF-style: chr6-70294175-A-G. GRCh37 (hg19) VCF-style: chr6-71003878-A-G.
Other names: c.688T>C, p.Ser230Pro (NM_001377291.1); short protein forms S230P.
Identifiers: ClinVar variation 2132629 (VCV002132629.4), dbSNP rs1773758245, ClinGen allele CA364670346.

ClinVar aggregate classification (germline): Uncertain significance (1 of 4 stars; one submission).

Allele frequency attached by ClinVar (database versions not stated): gnomAD exomes below 0.00001; TOPMed below 0.00001; gnomAD 0.00001.
gnomAD v4.1: 3 of 1,613,924 alleles (0.00019%); highest among the groups gnomAD compares: Non-Finnish European, 0.00025%; no homozygotes.

Submission:

Labcorp Genetics (formerly Invitae), Labcorp
Classification: Uncertain significance. Last evaluated: 2022-05-03. Review status: criteria provided, single submitter. Criteria: Invitae Variant Classification Sherloc (09022015). Collection method: clinical testing. Allele origin: germline.
Comment: In summary, the available evidence is currently insufficient to determine the role of this variant in disease. Therefore, it has been classified as a Variant of Uncertain Significance. Advanced modeling of protein sequence and biophysical properties (such as structural, functional, and spatial information, amino acid conservation, physicochemical variation, residue mobility, and thermodynamic stability) performed at Invitae indicates that this missense variant is not expected to disrupt COL9A1 protein function. This variant has not been reported in the literature in individuals affected with COL9A1-related conditions. This variant is not present in population databases (gnomAD no frequency). This sequence change replaces serine, which is neutral and polar, with proline, which is neutral and non-polar, at codon 230 of the COL9A1 protein (p.Ser230Pro).